The following is an entry in ClinVar:

ClinVar aggregate classification (germline): Uncertain significance (1 of 4 stars; one submission).

Submission:

GeneDx
Classification: Uncertain significance. Last evaluated: 2024-12-06. Review status: criteria provided, single submitter. Criteria: GeneDx Variant Classification Process June 2021. Collection method: clinical testing. Allele origin: germline. Affected: yes.
Comment: Not observed at significant frequency in large population cohorts (gnomAD); In silico analysis indicates that this missense variant does not alter protein structure/function; This substitution is predicted to be in the cytoplasmic loop between the second and third homologous domains; Has not been previously published as pathogenic or benign to our knowledge

NM_001165963.4(SCN1A):c.3136G>A (p.Asp1046Asn)

Genes: SCN1A (sodium voltage-gated channel alpha subunit 1; minus strand), LOC102724058 (uncharacterized LOC102724058; plus strand). Cytogenetic location: 2q24.3.
Variant type: single nucleotide variant.
Coding change: c.3136G>A on transcript NM_001165963.4 (MANE Select); coding-DNA position 3136, G replaced by A.
Protein change: p.Asp1046Asn; replaces aspartic acid 1046 with asparagine.
Molecular consequence: missense variant. On other transcripts: non-coding transcript variant (2).
Genome position (GRCh38, 1-based): chr2:166,036,341, C>T on the plus strand (G>A on the coding strand, the complement: SCN1A is on the minus strand). VCF-style: chr2-166036341-C-T. GRCh37 (hg19) VCF-style: chr2-166892851-C-T.
Other names: c.3052G>A, p.Asp1018Asn (NM_001165964.3, NM_001353957.2, NM_001353958.2); c.3136G>A, p.Asp1046Asn (NM_001202435.3, NM_001353948.2); c.3103G>A, p.Asp1035Asn (NM_001353949.2, NM_001353950.2, NM_001353951.2 and 2 more transcripts); c.3100G>A, p.Asp1034Asn (NM_001353954.2, NM_001353955.2); c.3049G>A, p.Asp1017Asn (NM_001353960.2); c.694G>A, p.Asp232Asn (NM_001353961.2); short protein forms D1017N, D1018N, D1034N, D1035N, D1046N, D232N.
Identifiers: ClinVar variation 3903202 (VCV003903202.1).